The following is an entry in ClinVar:

ClinVar aggregate classification (germline): Uncertain significance (1 of 4 stars; one submission).

gnomAD v4.1: 1 of 1,613,248 alleles (0.000062%); highest among the groups gnomAD compares: Admixed American, 0.0017%; no homozygotes.

Submission:

Labcorp Genetics (formerly Invitae), Labcorp
Classification: Uncertain significance. Last evaluated: 2024-03-16. Review status: criteria provided, single submitter. Criteria: Invitae Variant Classification Sherloc (09022015). Collection method: clinical testing. Allele origin: germline.
Comment: This sequence change replaces glutamic acid, which is acidic and polar, with aspartic acid, which is acidic and polar, at codon 985 of the ITGA3 protein (p.Glu985Asp). This variant is not present in population databases (gnomAD no frequency). This variant has not been reported in the literature in individuals affected with ITGA3-related conditions. Advanced modeling of protein sequence and biophysical properties (such as structural, functional, and spatial information, amino acid conservation, physicochemical variation, residue mobility, and thermodynamic stability) performed at Invitae indicates that this missense variant is not expected to disrupt ITGA3 protein function with a negative predictive value of 80%. In summary, the available evidence is currently insufficient to determine the role of this variant in disease. Therefore, it has been classified as a Variant of Uncertain Significance.

NM_002204.4(ITGA3):c.2955G>C (p.Glu985Asp)

Gene: ITGA3 (integrin subunit alpha 3; plus strand). Cytogenetic location: 17q21.33.
Variant type: single nucleotide variant.
Coding change: c.2955G>C on transcript NM_002204.4 (MANE Select); coding-DNA position 2955, G replaced by C.
Protein change: p.Glu985Asp; replaces glutamic acid 985 with aspartic acid.
Molecular consequence: missense variant.
Genome position (GRCh38, 1-based): chr17:50,087,779, G>C. VCF-style: chr17-50087779-G-C. GRCh37 (hg19) VCF-style: chr17-48165143-G-C.
Other names: short protein forms E985D.
Identifiers: ClinVar variation 3637446 (VCV003637446.2).